The following is an entry in ClinVar:

NM_001378964.1(CDON):c.*3076T>A

Gene: CDON (cell adhesion associated, oncogene regulated; minus strand). Cytogenetic location: 11q24.2.
Variant type: single nucleotide variant.
Coding change: c.*3076T>A on transcript NM_001378964.1 (MANE Select); 3076 bases downstream of the stop codon, T replaced by A.
Molecular consequence: 3 prime UTR variant.
Genome position (GRCh38, 1-based): chr11:125,957,866, A>T on the plus strand (T>A on the coding strand, the complement: CDON is on the minus strand). VCF-style: chr11-125957866-A-T. GRCh37 (hg19) VCF-style: chr11-125827761-A-T.
Other names: c.*3076T>A (NM_001243597.3, NM_016952.6).
Identifiers: ClinVar variation 303395 (VCV000303395.6), dbSNP rs73019370, ClinGen allele CA10637771.
Genomic context (GRCh38, chr11:125,957,866, plus strand): 5'-ATGTAACTTGCACCCTGGCAGCACCTGTCACCAGACTGTCAGTGCAAAACTGAAAGAAAA[A>T]CATTAAAAGGAGATCGTGAAATGATACAGTGGGAGCGGGGCAGTTTATGCTAAAACAATC-3'

ClinVar aggregate classification (germline): Benign. Review status: criteria provided, multiple submitters, no conflicts (2 of 4 stars). 2 submissions from 2 submitters: Benign (2). Last evaluated 2018-01-12.

Conditions:
Holoprosencephaly 11 (HPE11). Identifiers: Orphanet 2162, MedGen C3280215, MONDO:0013642, OMIM 614226.

Allele frequency attached by ClinVar (database versions not stated): 1000 Genomes Project 30x 0.01952; 1000 Genomes Project 0.02017; TOPMed 0.02344; gnomAD 0.02646 and 0.02663.

Submissions (2):

Illumina Laboratory Services, Illumina
Classification: Benign for Holoprosencephaly 11. Last evaluated: 2018-01-12. Review status: criteria provided, single submitter. Criteria: ICSL Variant Classification Criteria 13 December 2019. Collection method: clinical testing. Allele origin: germline.
Comment: This variant was observed in the ICSL laboratory as part of a predisposition screen in an ostensibly healthy population. It had not been previously curated by ICSL or reported in the Human Gene Mutation Database (HGMD: prior to June 1st, 2018), and was therefore a candidate for classification through an automated scoring system. Utilizing variant allele frequency, disease prevalence and penetrance estimates, and inheritance mode, an automated score was calculated to assess if this variant is too frequent to cause the disease. Based on the score and internal cut-off values, a variant classified as benign is not then subjected to further curation. The score for this variant resulted in a classification of benign for this disease.

Breakthrough Genomics
Classification: Benign. Review status: criteria provided, single submitter. Criteria: ACMG Guidelines, 2015. Collection method: not provided. Allele origin: germline. Inheritance: Autosomal dominant inheritance. Affected: yes.